The following is an entry in ClinVar:

ClinVar aggregate classification (germline): Uncertain significance. Review status: criteria provided, multiple submitters, no conflicts (2 of 4 stars). 2 submissions from 2 submitters: Uncertain significance (2). Last evaluated 2025-11-05.

Conditions:
Chuvash polycythemia. Also called: POLYCYTHEMIA, VHL-DEPENDENT. Identifiers: Orphanet 238557, MedGen C1837915, MONDO:0009892, OMIM 263400.
Von Hippel-Lindau syndrome (VHLS). Also called: von Hippel–Lindau syndrome; VHL syndrome; Von Hippel-Lindau. Identifiers: Orphanet 892, MedGen C0019562, MONDO:0008667, OMIM 193300. Disease mechanism: loss of function.

Submissions (2):

Labcorp Genetics (formerly Invitae), Labcorp
Classification: Uncertain significance for Von Hippel-Lindau syndrome; Chuvash polycythemia. Last evaluated: 2025-11-05. Review status: criteria provided, single submitter. Criteria: Invitae Variant Classification Sherloc (09022015). Collection method: clinical testing. Allele origin: germline.
Comment: This sequence change replaces aspartic acid, which is acidic and polar, with histidine, which is basic and polar, at codon 126 of the VHL protein (p.Asp126His). This variant is not present in population databases (gnomAD no frequency). This missense change has been observed in individual(s) with clinical features of VHL-related conditions (internal data). ClinVar contains an entry for this variant (Variation ID: 526681). Invitae Evidence Modeling of protein sequence and biophysical properties (such as structural, functional, and spatial information, amino acid conservation, physicochemical variation, residue mobility, and thermodynamic stability) indicates that this missense variant is expected to disrupt VHL protein function with a positive predictive value of 95%. In summary, the available evidence is currently insufficient to determine the role of this variant in disease. Therefore, it has been classified as a Variant of Uncertain Significance.

GeneDx
Classification: Uncertain significance. Last evaluated: 2020-03-12. Review status: criteria provided, single submitter. Criteria: GeneDx Variant Classification Process June 2021. Collection method: clinical testing. Allele origin: germline. Affected: yes.
Comment: Not observed in large population cohorts (Lek 2016); In silico analysis supports that this missense variant has a deleterious effect on protein structure/function; Has not been previously published as pathogenic or benign to our knowledge; Also known as VHL c.589G>C, p.Asp167His, and p.Asp197His.

NM_000551.4(VHL):c.376G>C (p.Asp126His)

Genes: VHL (von Hippel-Lindau tumor suppressor; plus strand), LOC107303340 (3p25 von Hippel-Lindau tumor suppressor, E3 ubiquitin protein ligase Alu-mediated recombination region; plus strand). Cytogenetic location: 3p25.3.
Variant type: single nucleotide variant.
Coding change: c.376G>C on transcript NM_000551.4 (MANE Select); coding-DNA position 376, G replaced by C.
Protein change: p.Asp126His; replaces aspartic acid 126 with histidine.
Molecular consequence: missense variant. On other transcripts: intron variant (2).
Genome position (GRCh38, 1-based): chr3:10,146,549, G>C. VCF-style: chr3-10146549-G-C. GRCh37 (hg19) VCF-style: chr3-10188233-G-C.
Other names: c.*18-3238G>C (NM_001354723.2); c.341-3238G>C (NM_198156.3); short protein forms D126H.
Identifiers: ClinVar variation 526681 (VCV000526681.11), dbSNP rs104893831, ClinGen allele CA351753833.